The following is an entry in ClinVar:

NM_001267550.2(TTN):c.20624C>T (p.Ala6875Val)

Gene: TTN (titin; minus strand). Cytogenetic location: 2q31.2.
Variant type: single nucleotide variant.
Coding change: c.20624C>T on transcript NM_001267550.2 (MANE Select); coding-DNA position 20624, C replaced by T.
Protein change: p.Ala6875Val; replaces alanine 6875 with valine.
Molecular consequence: missense variant. On other transcripts: intron variant (3).
Genome position (GRCh38, 1-based): chr2:178,725,580, G>A on the plus strand (C>T on the coding strand, the complement: TTN is on the minus strand). VCF-style: chr2-178725580-G-A. GRCh37 (hg19) VCF-style: chr2-179590307-G-A.
Other names: c.19673C>T, p.Ala6558Val (NM_001256850.1); c.16892C>T, p.Ala5631Val (NM_133378.4); c.13282+12502C>T (NM_003319.4); c.13858+12502C>T (NM_133437.4); c.13657+12502C>T (NM_133432.3); short protein forms A5631V, A6875V, A6558V.
Identifiers: ClinVar variation 192017 (VCV000192017.1), dbSNP rs199875225, ClinGen allele CA238114.
Genomic context (GRCh38, chr2:178,725,580, plus strand): 5'-ATCACTTCTTCCTTCTCTTTAAGCCACTGGACAAAAATAGGCTGGGCGCCTTCTATGGAT[G>A]CTTGTAATTCAGCAGGCTCTCCGGCTACAACAGTGAGGCTGTTCAGTTTGGAGACAAATC-3'
Protein context (NP_001254479.2, residues 6865-6885): VVAGEPAELQ[Ala6875Val]SIEGAQPIFV

ClinVar aggregate classification (germline): Uncertain significance (1 of 4 stars; one submission).

Allele frequency attached by ClinVar (database versions not stated): gnomAD exomes below 0.00001; TOPMed below 0.00001.
gnomAD v4.1: 1 of 1,612,080 alleles (0.000062%); highest among the groups gnomAD compares: Non-Finnish European, 0.000085%; no homozygotes.

Submission:

Biesecker Lab/Clinical Genomics Section, National Institutes of Health
Classification: Uncertain significance. Last evaluated: 2013-06-24. Review status: criteria provided, single submitter. Criteria: Ng et al. (Circ Cardiovasc Genet. 2013). Collection method: research. Allele origin: unknown. Observed: 1 variant allele. Study: ClinSeq.
Comment: The study set was not selected for affection status in relation to any cancer. Pathogenicity categories were based on literature curation. See Pubmed ID:23861362 for details.

Medical sequencing